The following is an entry in ClinVar:

NM_001286445.3(RIPOR2):c.1152C>G (p.Asp384Glu)

Gene: RIPOR2 (RHO family interacting cell polarization regulator 2; minus strand). Cytogenetic location: 6p22.3.
Variant type: single nucleotide variant.
Coding change: c.1152C>G on transcript NM_001286445.3 (MANE Select); coding-DNA position 1152, C replaced by G.
Protein change: p.Asp384Glu; replaces aspartic acid 384 with glutamic acid.
Molecular consequence: missense variant.
Genome position (GRCh38, 1-based): chr6:24,848,037, G>C on the plus strand (C>G on the coding strand, the complement: RIPOR2 is on the minus strand). VCF-style: chr6-24848037-G-C. GRCh37 (hg19) VCF-style: chr6-24848265-G-C.
Other names: c.1167C>G, p.Asp389Glu (NM_001286446.3); c.1065C>G, p.Asp355Glu (NM_001286447.2, NM_001346031.2, NM_001346032.2 and 2 more transcripts); c.1065C>G (NM_014722.4); short protein forms D355E, D384E, D389E.
Identifiers: ClinVar variation 1258140 (VCV001258140.33), dbSNP rs371651657, ClinGen allele CA3659320.

ClinVar aggregate classification (germline): Benign/Likely benign. Review status: criteria provided, multiple submitters, no conflicts (2 of 4 stars). 4 submissions from 4 submitters: Benign (2); Likely benign (1). 1 of the submissions does not count toward it. Last evaluated 2026-06-01.

Conditions:
RIPOR2-related disorder. Also called: RIPOR2-related condition.

Allele frequency attached by ClinVar (database versions not stated): ESP Exome Variant Server 0.00016; ExAC 0.00113; 1000 Genomes Project 0.00280; 1000 Genomes Project 30x 0.00281.
gnomAD v4.1: 842 of 1,613,962 alleles (0.052%); highest among the groups gnomAD compares: South Asian, 0.65%; 13 homozygotes.

Submissions (4):

CeGaT Center for Human Genetics Tuebingen
Classification: Likely benign. Last evaluated: 2026-06-01. Review status: criteria provided, single submitter. Criteria: CeGaT Center For Human Genetics Tuebingen Variant Classification Criteria Version 2. Collection method: clinical testing. Allele origin: germline. Affected: yes. Observed: 4 variant alleles.
Comment: RIPOR2: BS2

Labcorp Genetics (formerly Invitae), Labcorp
Classification: Benign. Last evaluated: 2025-08-30. Review status: criteria provided, single submitter. Criteria: Invitae Variant Classification Sherloc (09022015). Collection method: clinical testing. Allele origin: germline.

GeneDx
Classification: Benign. Last evaluated: 2021-02-09. Review status: criteria provided, single submitter. Criteria: GeneDx Variant Classification Process June 2021. Collection method: clinical testing. Allele origin: germline. Affected: yes.

PreventionGenetics, part of Exact Sciences
Classification: Likely benign for RIPOR2-related condition. Last evaluated: 2019-10-30. Review status: no assertion criteria provided. Collection method: clinical testing. Allele origin: germline. Not counted in ClinVar's aggregate classification.
Comment: This variant is classified as likely benign based on ACMG/AMP sequence variant interpretation guidelines (Richards et al. 2015 PMID: 25741868, with internal and published modifications).